The following is an entry in ClinVar:

NM_006766.5(KAT6A):c.2050T>C (p.Ser684Pro)

Gene: KAT6A (lysine acetyltransferase 6A; minus strand). Cytogenetic location: 8p11.21.
Variant type: single nucleotide variant.
Coding change: c.2050T>C on transcript NM_006766.5 (MANE Select); coding-DNA position 2050, T replaced by C.
Protein change: p.Ser684Pro; replaces serine 684 with proline.
Molecular consequence: missense variant.
Genome position (GRCh38, 1-based): chr8:41,943,926, A>G on the plus strand (T>C on the coding strand, the complement: KAT6A is on the minus strand). VCF-style: chr8-41943926-A-G. GRCh37 (hg19) VCF-style: chr8-41801444-A-G.
Other names: c.2050T>C, p.Ser684Pro (NM_001305878.2); short protein forms S684P.
Identifiers: ClinVar variation 3775000 (VCV003775000.1).
Genomic context (GRCh38, chr8:41,943,926, plus strand): 5'-AAAGGCACTCCAATATTACACTTTTCCAATATGCCATGTAGGAAAGACGACCCAGATCAG[A>G]TAACGGTTTCTCTGGAGACCCTGCTTGGCCTTCACGCTTTGATAACAAATAACCTAAAGA-3'
Protein context (NP_006757.2, residues 674-694): GQAGSPEKPL[Ser684Pro]DLGRLSYMAY

ClinVar aggregate classification (germline): Uncertain significance (1 of 4 stars; one submission).

Submission:

GeneDx
Classification: Uncertain significance. Last evaluated: 2024-09-25. Review status: criteria provided, single submitter. Criteria: GeneDx Variant Classification Process June 2021. Collection method: clinical testing. Allele origin: germline. Affected: yes.
Comment: Not observed at significant frequency in large population cohorts (gnomAD); In silico analysis supports that this missense variant has a deleterious effect on protein structure/function; Has not been previously published as pathogenic or benign to our knowledge